The following is an entry in ClinVar:

NM_000548.5(TSC2):c.83C>T (p.Pro28Leu)

Gene: TSC2 (TSC complex subunit 2; plus strand). Cytogenetic location: 16p13.3.
Variant type: single nucleotide variant.
Coding change: c.83C>T on transcript NM_000548.5 (MANE Select); coding-DNA position 83, C replaced by T.
Protein change: p.Pro28Leu; replaces proline 28 with leucine.
Molecular consequence: missense variant. On other transcripts: 5 prime UTR variant (19), non-coding transcript variant (5), intron variant (6).
Genome position (GRCh38, 1-based): chr16:2,048,698, C>T. VCF-style: chr16-2048698-C-T. GRCh37 (hg19) VCF-style: chr16-2098699-C-T.
Other names: c.83C>T, p.Pro28Leu (NM_001370405.1, NM_001406663.1, NM_001406664.1 and 13 more transcripts); c.-734C>T (NM_001406680.1, NM_001406683.1, NM_001406687.1); c.-363C>T (NM_001406681.1); c.-144C>T (NM_001406682.1, NM_001406684.1, NM_001406685.1 and 2 more transcripts); c.-1349C>T (NM_001406689.1, NM_001406690.1, NM_001406691.1 and 2 more transcripts); c.-1655C>T (NM_001406693.1); c.-1230C>T (NM_001406694.1, NM_001406695.1); c.-1337C>T (NM_001406696.1); and 4 more; short protein forms P28L, P39L.
Identifiers: ClinVar variation 3462634 (VCV003462634.2).

ClinVar aggregate classification (germline): Uncertain significance. Review status: criteria provided, multiple submitters, no conflicts (2 of 4 stars). 2 submissions from 2 submitters: Uncertain significance (2). Last evaluated 2025-07-13.

Conditions:
Tuberous sclerosis 2 (TSC2). Identifiers: Orphanet 805, MedGen C1860707, MONDO:0013199, OMIM 613254.
Hereditary cancer-predisposing syndrome. Also called: Hereditary Cancer Syndrome; Hereditary neoplastic syndrome; Neoplastic Syndromes, Hereditary; Tumor predisposition. Identifiers: Orphanet 140162, MedGen C0027672, MeSH D009386, MONDO:0015356.

Submissions (2):

Labcorp Genetics (formerly Invitae), Labcorp
Classification: Uncertain significance for Tuberous sclerosis 2. Last evaluated: 2025-07-13. Review status: criteria provided, single submitter. Criteria: Invitae Variant Classification Sherloc (09022015). Collection method: clinical testing. Allele origin: germline.
Comment: This sequence change replaces proline, which is neutral and non-polar, with leucine, which is neutral and non-polar, at codon 28 of the TSC2 protein (p.Pro28Leu). This variant is not present in population databases (gnomAD no frequency). This variant has not been reported in the literature in individuals affected with TSC2-related conditions. ClinVar contains an entry for this variant (Variation ID: 3462634). Invitae Evidence Modeling of protein sequence and biophysical properties (such as structural, functional, and spatial information, amino acid conservation, physicochemical variation, residue mobility, and thermodynamic stability) indicates that this missense variant is not expected to disrupt TSC2 protein function with a negative predictive value of 95%. In summary, the available evidence is currently insufficient to determine the role of this variant in disease. Therefore, it has been classified as a Variant of Uncertain Significance.

Ambry Genetics
Classification: Uncertain significance for Hereditary cancer-predisposing syndrome. Last evaluated: 2024-09-26. Review status: criteria provided, single submitter. Criteria: Ambry Variant Classification Scheme 2023. Collection method: clinical testing. Allele origin: germline.
Comment: The p.P28L variant (also known as c.83C>T), located in coding exon 1 of the TSC2 gene, results from a C to T substitution at nucleotide position 83. The proline at codon 28 is replaced by leucine, an amino acid with similar properties. This amino acid position is conserved. In addition, this alteration is predicted to be tolerated by in silico analysis. Based on the available evidence, the clinical significance of this variant remains unclear.